The following is an entry in ClinVar:

ClinVar aggregate classification (germline): Likely benign (1 of 4 stars; one submission).

Conditions:
Wilms tumor 1 (WT1). Also called: Wilms tumor, somatic. Identifiers: Orphanet 654, MedGen CN033288, MONDO:0008679, OMIM 194070.

Submission:

All of Us Research Program, National Institutes of Health
Classification: Likely benign for Wilms tumor 1. Last evaluated: 2023-08-28. Review status: criteria provided, single submitter. Criteria: ACMG Guidelines, 2015. Collection method: clinical testing. Allele origin: germline. Inheritance: Autosomal dominant inheritance. Observed: 1 variant allele, 1 heterozygote.
Comment: This study involves interpretation of variants in research participants for the purpose of population health screening. Participant phenotype was not available at the time of variant classification. Additional details can be found in publication PMID: 35346344, PMCID: PMC8962531

NM_024426.6(WT1):c.651T>C (p.Ile217=)

Genes: WT1 (WT1 transcription factor; minus strand), LOC107982234 (WT1/WT1-AS bi-directional promoter region; plus strand). Cytogenetic location: 11p13.
Variant type: single nucleotide variant.
Coding change: c.651T>C on transcript NM_024426.6 (MANE Select); coding-DNA position 651, T replaced by C.
Protein change: p.Ile217=; no amino-acid change (isoleucine 217 retained).
Molecular consequence: synonymous variant. On other transcripts: non-coding transcript variant (2).
Genome position (GRCh38, 1-based): chr11:32,434,710, A>G on the plus strand (T>C on the coding strand, the complement: WT1 is on the minus strand). VCF-style: chr11-32434710-A-G. GRCh37 (hg19) VCF-style: chr11-32456256-A-G.
Other names: c.651T>C, p.Ile217= (NM_000378.6, NM_001407044.1, NM_001407045.1 and 6 more transcripts); c.432T>C, p.Ile144= (NM_001429031.1, NM_001429032.1, NM_001429033.1 and 1 more transcripts); c.636T>C, p.Ile212= (NM_024425.2).
Identifiers: ClinVar variation 3073170 (VCV003073170.1), dbSNP rs2494474961, ClinGen allele CA473571296.
Genomic context (GRCh38, chr11:32,434,710, plus strand): 5'-TCCCTGGCGCCACTGCCCCGCGCGTAGGGGGCGCTCCCCGGCCTACTTACCCTGATTGCG[A>G]ATAGCGGGCTGGCTCTCGAGGCAGCTGGGCAGGTAGGGCGCGTTAGGAAACATCCTGGCC-3'
Protein context (NP_077744.4, residues 207-227): LPSCLESQPA[Ile217=]RNQGYSTVTF